The following is an entry in ClinVar:

ClinVar aggregate classification (germline): Likely benign. Review status: criteria provided, multiple submitters, no conflicts (2 of 4 stars). 4 submissions from 4 submitters: Likely benign (3). 1 of the submissions does not count toward it. Last evaluated 2026-04-23.

Conditions:
Kabuki syndrome. Also called: Kabuki make-up syndrome; NIIKAWA-KUROKI SYNDROME. Identifiers: Orphanet 2322, MedGen C0796004, MONDO:0016512.
KMT2D-related disorder. Also called: KMT2D-Related Disorders.
Inborn genetic diseases. Identifiers: MedGen C0950123, MeSH D030342.

Allele frequency attached by ClinVar (database versions not stated): gnomAD exomes 0.00004 and 0.00005; ExAC 0.00010; ESP Exome Variant Server 0.00024; gnomAD 0.00024 and 0.00028; TOPMed 0.00027.
gnomAD v4.1: 95 of 1,605,364 alleles (0.0059%); highest among the groups gnomAD compares: African/African-American, 0.066%; 1 homozygote.

Submissions (4):

Ambry Genetics
Classification: Likely benign for Inborn genetic diseases. Last evaluated: 2026-04-23. Review status: criteria provided, single submitter. Criteria: Ambry Variant Classification Scheme 2023. Collection method: clinical testing. Allele origin: germline.

Labcorp Genetics (formerly Invitae), Labcorp
Classification: Likely benign for Kabuki syndrome. Last evaluated: 2025-10-11. Review status: criteria provided, single submitter. Criteria: Invitae Variant Classification Sherloc (09022015). Collection method: clinical testing. Allele origin: germline.

Blueprint Genetics
Classification: Likely benign. Last evaluated: 2022-07-12. Review status: criteria provided, single submitter. Criteria: ACMG Guidelines, 2015. Collection method: clinical testing. Allele origin: germline.

PreventionGenetics, part of Exact Sciences
Classification: Likely benign for KMT2D-related condition. Last evaluated: 2023-02-03. Review status: no assertion criteria provided. Collection method: clinical testing. Allele origin: germline. Not counted in ClinVar's aggregate classification.
Comment: This variant is classified as likely benign based on ACMG/AMP sequence variant interpretation guidelines (Richards et al. 2015 PMID: 25741868, with internal and published modifications).

NM_003482.4(KMT2D):c.15845G>A (p.Arg5282Gln)

Gene: KMT2D (lysine methyltransferase 2D; minus strand). Cytogenetic location: 12q13.12.
Variant type: single nucleotide variant.
Coding change: c.15845G>A on transcript NM_003482.4 (MANE Select); coding-DNA position 15845, G replaced by A.
Protein change: p.Arg5282Gln; replaces arginine 5282 with glutamine.
Molecular consequence: missense variant.
Genome position (GRCh38, 1-based): chr12:49,024,886, C>T on the plus strand (G>A on the coding strand, the complement: KMT2D is on the minus strand). VCF-style: chr12-49024886-C-T. GRCh37 (hg19) VCF-style: chr12-49418669-C-T.
Other names: c.15845G>A (NM_003482.3); short protein forms R5282Q.
Identifiers: ClinVar variation 1125540 (VCV001125540.13), dbSNP rs376465820, ClinGen allele CA6545483.